The following is an entry in ClinVar:

NC_000011.9:g.(?_76901666)_(76901927_?)del

Gene: MYO7A (myosin VIIA; plus strand). Cytogenetic location: 11q13.5.
Variant type: Deletion.
Identifiers: ClinVar variation 3244712 (VCV003244712.1).

ClinVar aggregate classification (germline): Pathogenic (1 of 4 stars; one submission).

Submission:

Labcorp Genetics (formerly Invitae), Labcorp
Classification: Pathogenic. Last evaluated: 2022-12-17. Review status: criteria provided, single submitter. Criteria: Invitae Variant Classification Sherloc (09022015). Collection method: clinical testing. Allele origin: unknown.
Comment: This variant disrupts a region of the MYO7A protein in which other variant(s) (p.Gly1298Arg) have been determined to be pathogenic (PMID: 29490346). This suggests that this is a clinically significant region of the protein, and that variants that disrupt it are likely to be disease-causing. For these reasons, this variant has been classified as Pathogenic. This variant has not been reported in the literature in individuals affected with MYO7A-related conditions. This variant is a gross deletion of the genomic region encompassing exon(s) 30 of the MYO7A gene. This variant would be expected to be in-frame, preserving the integrity of the reading frame.

Literature cited by the submitters: PubMed 29490346.